The following is an entry in ClinVar:

NM_001303052.2(MYT1L):c.474G>A (p.Glu158=)

Gene: MYT1L (myelin transcription factor 1 like; minus strand). Cytogenetic location: 2p25.3.
Variant type: single nucleotide variant.
Coding change: c.474G>A on transcript NM_001303052.2 (MANE Select); coding-DNA position 474, G replaced by A.
Protein change: p.Glu158=; no amino-acid change (glutamic acid 158 retained).
Molecular consequence: synonymous variant.
Genome position (GRCh38, 1-based): chr2:1,943,013, C>T on the plus strand (G>A on the coding strand, the complement: MYT1L is on the minus strand). VCF-style: chr2-1943013-C-T. GRCh37 (hg19) VCF-style: chr2-1946785-C-T.
Other names: c.474G>A (NM_001303052.1); c.474G>A, p.Glu158= (NM_001329844.2, NM_001329845.1, NM_001329846.3 and 6 more transcripts).
Identifiers: ClinVar variation 740318 (VCV000740318.7), dbSNP rs1004181808, ClinGen allele CA1514393.

ClinVar aggregate classification (germline): Likely benign. Review status: criteria provided, multiple submitters, no conflicts (2 of 4 stars). 3 submissions from 3 submitters: Likely benign (2). 1 of the submissions does not count toward it. Last evaluated 2024-07-05.

Conditions:
MYT1L-related disorder. Also called: MYT1L-related condition.

Allele frequency attached by ClinVar (database versions not stated): gnomAD exomes below 0.00001 and 0.00005; TOPMed 0.00007; gnomAD 0.00013; ExAC 0.00024.
gnomAD v4.1: 33 of 1,533,218 alleles (0.0022%); highest among the groups gnomAD compares: Admixed American, 0.022%; 1 homozygote.

Submissions (3):

Blueprint Genetics
Classification: Likely benign. Last evaluated: 2024-07-05. Review status: criteria provided, single submitter. Criteria: ACMG Guidelines, 2015. Collection method: clinical testing. Allele origin: germline.

Labcorp Genetics (formerly Invitae), Labcorp
Classification: Likely benign. Last evaluated: 2019-12-31. Review status: criteria provided, single submitter. Criteria: Invitae Variant Classification Sherloc (09022015). Collection method: clinical testing. Allele origin: germline.

PreventionGenetics, part of Exact Sciences
Classification: Likely benign for MYT1L-related condition. Last evaluated: 2022-11-22. Review status: no assertion criteria provided. Collection method: clinical testing. Allele origin: germline. Not counted in ClinVar's aggregate classification.
Comment: This variant is classified as likely benign based on ACMG/AMP sequence variant interpretation guidelines (Richards et al. 2015 PMID: 25741868, with internal and published modifications).